The following is an entry in ClinVar:

ClinVar aggregate classification (germline): Pathogenic (1 of 4 stars; one submission).

Conditions:
Neuronal ceroid lipofuscinosis. Also called: Neuronal Ceroid Lipofuscinoses. Identifiers: Orphanet 216, Orphanet 79263, MedGen C0027877, MONDO:0016295. Disease mechanism: loss of function.

Submission:

Myriad Genetics, Inc.
Classification: Pathogenic for Neuronal ceroid lipofuscinosis. Last evaluated: 2023-10-11. Review status: criteria provided, single submitter. Criteria: Myriad Autosomal Dominant, Autosomal Recessive and X-Linked Classification Criteria (2023). Collection method: clinical testing. Allele origin: unknown.
Comment: NM_017882.2(CLN6):c.316delC(R106Afs*10) is expected to be pathogenic in the context of neuronal ceroid lipofuscinosis, CLN6-related. This variant is predicted to lead to an abnormal or absent protein product due to the creation of a premature termination codon in CLN6, a gene where loss-of-function variants are known to be pathogenic. Please note: this variant was assessed in the context of healthy population screening.

NM_017882.3(CLN6):c.316del (p.Arg106fs)

Gene: CLN6 (CLN6 transmembrane ER protein; minus strand). Cytogenetic location: 15q23.
Variant type: Deletion.
Coding change: c.316del on transcript NM_017882.3 (MANE Select); coding-DNA position 316, one base deleted (C; older notation c.316delC).
Protein change: p.Arg106fs; shifts the reading frame from arginine 106.
Molecular consequence: frameshift variant.
Genome position (GRCh38, 1-based): chr15:68,211,845, G deleted on the plus strand (C on the coding strand, the reverse complement: CLN6 is on the minus strand); the first of 6 consecutive G bases (chr15:68,211,845-68,211,850); deleting any one gives the same sequence. VCF-style (leftmost placement, unchanged base first): chr15-68211844-CG-C. GRCh37 (hg19) VCF-style: chr15-68504182-CG-C.
Other names: c.412del, p.Arg138fs (NM_001411068.1); short protein forms R106fs, R138fs.
Identifiers: ClinVar variation 5012374 (VCV005012374.1).
Genomic context (GRCh38, chr15:68,211,844, plus strand): 5'-ATGCTGGCACCCATGATGAAGATGATGATGCTCACGTACGTGATGGAGCGTGGCAGGGTG[CG>C]GGGGGACCGCTCGATGAGCTGGGGTTCAGAGTGGGGTTGGCAGCATGACCCCACCTCTGT-3'